The following is an entry in ClinVar:

NM_005472.5(KCNE3):c.278A>G (p.His93Arg)

Gene: KCNE3 (potassium voltage-gated channel subfamily E regulatory subunit 3; minus strand). Cytogenetic location: 11q13.4.
Variant type: single nucleotide variant.
Coding change: c.278A>G on transcript NM_005472.5 (MANE Select); coding-DNA position 278, A replaced by G.
Protein change: p.His93Arg; replaces histidine 93 with arginine.
Molecular consequence: missense variant.
Genome position (GRCh38, 1-based): chr11:74,457,286, T>C on the plus strand (A>G on the coding strand, the complement: KCNE3 is on the minus strand). VCF-style: chr11-74457286-T-C. GRCh37 (hg19) VCF-style: chr11-74168331-T-C.
Other names: short protein forms H93R.
Identifiers: ClinVar variation 3224709 (VCV003224709.1), dbSNP rs1329138899, ClinGen allele CA381973698.

ClinVar aggregate classification (germline): Uncertain significance (1 of 4 stars; one submission).

Conditions:
Cardiovascular phenotype. Identifiers: MedGen CN230736.

Allele frequency attached by ClinVar (database versions not stated): gnomAD exomes below 0.00001; TOPMed 0.00002.

Submission:

Ambry Genetics
Classification: Uncertain significance for Cardiovascular phenotype. Last evaluated: 2023-12-11. Review status: criteria provided, single submitter. Criteria: Ambry Variant Classification Scheme 2023. Collection method: clinical testing. Allele origin: germline.
Comment: The p.H93R variant (also known as c.278A>G), located in coding exon 1 of the KCNE3 gene, results from an A to G substitution at nucleotide position 278. The histidine at codon 93 is replaced by arginine, an amino acid with highly similar properties. This amino acid position is conserved. In addition, this alteration is predicted to be deleterious by in silico analysis. Since supporting evidence is limited at this time, the clinical significance of this alteration remains unclear.